The following is an entry in ClinVar:

NM_032603.5(LOXL3):c.563T>C (p.Leu188Pro)

Genes: DOK1 (docking protein 1; plus strand), LOXL3 (lysyl oxidase like 3; minus strand). Cytogenetic location: 2p13.1.
Variant type: single nucleotide variant.
Coding change: c.563T>C on transcript NM_032603.5 (MANE Select); coding-DNA position 563, T replaced by C.
Protein change: p.Leu188Pro; replaces leucine 188 with proline.
Molecular consequence: missense variant. On other transcripts: 5 prime UTR variant (1), intron variant (2).
Genome position (GRCh38, 1-based): chr2:74,549,498, A>G on the plus strand (T>C on the coding strand, the complement: LOXL3 is on the minus strand). VCF-style: chr2-74549498-A-G. GRCh37 (hg19) VCF-style: chr2-74776625-A-G.
Other names: c.-301T>C (NM_001289165.2); c.477+687T>C (NM_001289164.3); c.-358+326A>G (NM_001197260.2); short protein forms L188P.
Identifiers: ClinVar variation 1397872 (VCV001397872.4), dbSNP rs749209218, ClinGen allele CA1729139.

ClinVar aggregate classification (germline): Uncertain significance (1 of 4 stars; one submission).

Allele frequency attached by ClinVar (database versions not stated): gnomAD exomes 0.00001 and below 0.00001; TOPMed below 0.00001; ExAC 0.00001.
gnomAD v4.1: 8 of 1,613,690 alleles (0.0005%); no homozygotes.

Submission:

Labcorp Genetics (formerly Invitae), Labcorp
Classification: Uncertain significance. Last evaluated: 2021-11-26. Review status: criteria provided, single submitter. Criteria: Invitae Variant Classification Sherloc (09022015). Collection method: clinical testing. Allele origin: germline.
Comment: This sequence change replaces leucine, which is neutral and non-polar, with proline, which is neutral and non-polar, at codon 188 of the LOXL3 protein (p.Leu188Pro). This variant is present in population databases (rs749209218, gnomAD 0.03%). This variant has not been reported in the literature in individuals affected with LOXL3-related conditions. Algorithms developed to predict the effect of missense changes on protein structure and function (SIFT, PolyPhen-2, Align-GVGD) all suggest that this variant is likely to be disruptive. In summary, the available evidence is currently insufficient to determine the role of this variant in disease. Therefore, it has been classified as a Variant of Uncertain Significance.